The following is an entry in ClinVar:

ClinVar aggregate classification (germline): Uncertain significance (1 of 4 stars; one submission).

gnomAD v4.1: 3 of 1,611,434 alleles (0.00019%); highest among the groups gnomAD compares: African/African-American, 0.004%; no homozygotes.

Submission:

GeneDx
Classification: Uncertain significance. Last evaluated: 2024-03-04. Review status: criteria provided, single submitter. Criteria: GeneDx Variant Classification Process June 2021. Collection method: clinical testing. Allele origin: germline. Affected: yes.
Comment: Not observed at significant frequency in large population cohorts (gnomAD); In silico analysis supports that this variant does not alter splicing; Has not been previously published as pathogenic or benign to our knowledge

NM_031263.4(HNRNPK):c.27C>G (p.Thr9=)

Gene: HNRNPK (heterogeneous nuclear ribonucleoprotein K; minus strand). Cytogenetic location: 9q21.32.
Variant type: single nucleotide variant.
Coding change: c.27C>G on transcript NM_031263.4 (MANE Select); coding-DNA position 27, C replaced by G.
Protein change: p.Thr9=; no amino-acid change (threonine 9 retained).
Molecular consequence: synonymous variant.
Genome position (GRCh38, 1-based): chr9:83,978,226, G>C on the plus strand (C>G on the coding strand, the complement: HNRNPK is on the minus strand). VCF-style: chr9-83978226-G-C. GRCh37 (hg19) VCF-style: chr9-86593141-G-C.
Other names: c.27C>G, p.Thr9= (NM_001318186.2, NM_001318187.2, NM_001318188.2 and 2 more transcripts).
Identifiers: ClinVar variation 3373662 (VCV003373662.1).